The following is an entry in ClinVar:

NM_201384.3(PLEC):c.7137C>T (p.Ser2379=)

Gene: PLEC (plectin; minus strand). Cytogenetic location: 8q24.3.
Variant type: single nucleotide variant.
Coding change: c.7137C>T on transcript NM_201384.3 (MANE Select); coding-DNA position 7137, C replaced by T.
Protein change: p.Ser2379=; no amino-acid change (serine 2379 retained).
Molecular consequence: synonymous variant.
Genome position (GRCh38, 1-based): chr8:143,922,792, G>A on the plus strand (C>T on the coding strand, the complement: PLEC is on the minus strand). VCF-style: chr8-143922792-G-A. GRCh37 (hg19) VCF-style: chr8-144996960-G-A.
Other names: c.7218C>T, p.Ser2406= (NM_000445.5); c.7095C>T, p.Ser2365= (NM_201378.4); c.7071C>T, p.Ser2357= (NM_201379.3); c.7548C>T, p.Ser2516= (NM_201380.4); c.7041C>T, p.Ser2347= (NM_201381.3); c.7137C>T, p.Ser2379= (NM_201382.4); c.7149C>T, p.Ser2383= (NM_201383.3).
Identifiers: ClinVar variation 1085071 (VCV001085071.18), dbSNP rs782260669, ClinGen allele CA4925746.

ClinVar aggregate classification (germline): Likely benign. Review status: criteria provided, multiple submitters, no conflicts (2 of 4 stars). 3 submissions from 3 submitters: Likely benign (3). Last evaluated 2025-05-01.

Conditions:
Epidermolysis bullosa simplex, Ogna type (EBS5A). Also called: Pidermolysis bullosa simplex 5A, Ogna type; EPIDERMOLYSIS BULLOSA SIMPLEX 5A, OGNA TYPE. Identifiers: Orphanet 79401, MedGen C0432317, MONDO:0007555, OMIM 131950.
Autosomal recessive limb-girdle muscular dystrophy type 2Q (LGMDR17). Also called: MUSCULAR DYSTROPHY, LIMB-GIRDLE, AUTOSOMAL RECESSIVE 17. Identifiers: Orphanet 254361, MedGen C3150989, MONDO:0013390, OMIM 613723.
Epidermolysis bullosa simplex with nail dystrophy (EBS5D). Identifiers: MedGen C4225309, MONDO:0014661, OMIM 616487.
Epidermolysis bullosa simplex 5C, with pyloric atresia (EBS5C). Also called: PLEC1-Related Epidermolysis Bullosa with Pyloric Atresia; PLEC-Related Epidermolysis Bullosa with Pyloric Atresia; Epidermolysis bullosa simplex with pyloric atresia. Identifiers: Orphanet 158684, MedGen C2677349, MONDO:0012807, OMIM 612138.
Epidermolysis bullosa simplex 5B, with muscular dystrophy (EBS5B). Also called: Epidermolysis bullosa simplex with muscular dystrophy; EPIDERMOLYSIS BULLOSA SIMPLEX AND LIMB-GIRDLE MUSCULAR DYSTROPHY. Identifiers: Orphanet 257, MedGen C2931072, MONDO:0009181, OMIM 226670.

Allele frequency attached by ClinVar (database versions not stated): gnomAD 0.00001; gnomAD exomes 0.00002 and 0.00003; ExAC 0.00006.
gnomAD v4.1: 41 of 1,595,628 alleles (0.0026%); highest among the groups gnomAD compares: East Asian, 0.0046%; 1 homozygote.

Submissions (3):

CeGaT Center for Human Genetics Tuebingen
Classification: Likely benign. Last evaluated: 2025-05-01. Review status: criteria provided, single submitter. Criteria: CeGaT Center For Human Genetics Tuebingen Variant Classification Criteria Version 2. Collection method: clinical testing. Allele origin: germline. Affected: yes. Observed: 1 variant allele.
Comment: PLEC: BP4, BP7

Labcorp Genetics (formerly Invitae), Labcorp
Classification: Likely benign for Autosomal recessive limb-girdle muscular dystrophy type 2Q; Epidermolysis bullosa simplex, Ogna type; Epidermolysis bullosa simplex with nail dystrophy; Epidermolysis bullosa simplex 5C, with pyloric atresia; Epidermolysis bullosa simplex 5B, with muscular dystrophy. Last evaluated: 2022-09-16. Review status: criteria provided, single submitter. Criteria: Invitae Variant Classification Sherloc (09022015). Collection method: clinical testing. Allele origin: germline.

Breakthrough Genomics
Classification: Likely benign. Review status: criteria provided, single submitter. Criteria: ACMG Guidelines, 2015. Collection method: not provided. Allele origin: germline. Inheritance: Autosomal recessive inheritance. Affected: yes.